The following is an entry in ClinVar:

ClinVar aggregate classification (germline): Uncertain significance. Review status: criteria provided, single submitter (1 of 4 stars). 2 submissions from 2 submitters: Uncertain significance (1). 1 of the submissions does not count toward it. Last evaluated 2024-07-16.

Conditions:
Autosomal dominant childhood-onset proximal spinal muscular atrophy without contractures. Also called: KUGELBERG-WELANDER SYNDROME, AUTOSOMAL DOMINANT; SPINAL MUSCULAR ATROPHY, JUVENILE, PROXIMAL, AUTOSOMAL DOMINANT; Spinal muscular atrophy, lower extremity-predominant 1, AD; SPINAL MUSCULAR ATROPHY, CHILDHOOD, PROXIMAL, AUTOSOMAL DOMINANT. Identifiers: Orphanet 209341, Orphanet 363447, MedGen C5780022, MONDO:0008026, OMIM 158600.

Submissions (2):

GeneDx
Classification: Uncertain significance. Last evaluated: 2024-07-16. Review status: criteria provided, single submitter. Criteria: GeneDx Variant Classification Process June 2021. Collection method: clinical testing. Allele origin: germline. Affected: yes.
Comment: Not observed at significant frequency in large population cohorts (gnomAD); In silico analysis supports that this missense variant has a deleterious effect on protein structure/function; This variant is associated with the following publications: (PMID: 25512093, 25609763, 26100331, 37470033, 37337091)

Département de Neurologie, Hospices Civils de Lyon
Classification: Likely pathogenic for Autosomal dominant childhood-onset proximal spinal muscular atrophy without contractures. Last evaluated: 2023-02-24. Review status: no assertion criteria provided. Collection method: clinical testing. Allele origin: unknown. Inheritance: Sporadic. Affected: yes. Not counted in ClinVar's aggregate classification.

NM_001376.5(DYNC1H1):c.1427T>C (p.Leu476Pro)

Gene: DYNC1H1 (dynein cytoplasmic 1 heavy chain 1; plus strand). Cytogenetic location: 14q32.31.
Variant type: single nucleotide variant.
Coding change: c.1427T>C on transcript NM_001376.5 (MANE Select); coding-DNA position 1427, T replaced by C.
Protein change: p.Leu476Pro; replaces leucine 476 with proline.
Molecular consequence: missense variant.
Genome position (GRCh38, 1-based): chr14:101,983,575, T>C. VCF-style: chr14-101983575-T-C. GRCh37 (hg19) VCF-style: chr14-102449912-T-C.
Other names: short protein forms L476P.
Identifiers: ClinVar variation 2442260 (VCV002442260.2), dbSNP rs2503686766, ClinGen allele CA391016194.
Genomic context (GRCh38, chr14:101,983,575, plus strand): 5'-ACAGGAAGCTGCAGGCCCGCCTTGACCAGATGAGAAAATTTAGACGCCAGCATGAACAGC[T>C]AAGAGCTGTTATCGTCAGGGTCCTGAGGCCACAGGTAAGATTTGCATTCTAAAAGTTTGT-3'
Protein context (NP_001367.2, residues 466-486): MRKFRRQHEQ[Leu476Pro]RAVIVRVLRP